The following is an entry in ClinVar:

ClinVar aggregate classification (germline): Uncertain significance. Review status: criteria provided, multiple submitters, no conflicts (2 of 4 stars). 2 submissions from 2 submitters: Uncertain significance (2). Last evaluated 2024-06-03.

Conditions:
Progressive myoclonic epilepsy type 9. Identifiers: Orphanet 457265, MedGen C4225289, MONDO:0014685, OMIM 616540.
Lipodystrophy, partial, acquired, susceptibility to (APLD). Also called: APLD, SUSCEPTIBILITY TO. Identifiers: MedGen C3887501, MONDO:0100476, OMIM 608709.

Allele frequency attached by ClinVar (database versions not stated): gnomAD exomes below 0.00001; gnomAD 0.00002; TOPMed 0.00002.
gnomAD v4.1: 38 of 1,608,536 alleles (0.0024%); highest among the groups gnomAD compares: Non-Finnish European, 0.0031%; no homozygotes.

Submissions (2):

Blueprint Genetics
Classification: Uncertain significance. Last evaluated: 2024-06-03. Review status: criteria provided, single submitter. Criteria: ACMG Guidelines, 2015. Collection method: clinical testing. Allele origin: germline.

Labcorp Genetics (formerly Invitae), Labcorp
Classification: Uncertain significance for Progressive myoclonic epilepsy type 9; Lipodystrophy, partial, acquired, susceptibility to. Last evaluated: 2023-12-22. Review status: criteria provided, single submitter. Criteria: Invitae Variant Classification Sherloc (09022015). Collection method: clinical testing. Allele origin: germline.
Comment: This sequence change replaces arginine, which is basic and polar, with histidine, which is basic and polar, at codon 311 of the LMNB2 protein (p.Arg311His). The frequency data for this variant in the population databases is considered unreliable, as metrics indicate poor data quality at this position in the gnomAD database. This variant has not been reported in the literature in individuals affected with LMNB2-related conditions. ClinVar contains an entry for this variant (Variation ID: 1044334). Advanced modeling of protein sequence and biophysical properties (such as structural, functional, and spatial information, amino acid conservation, physicochemical variation, residue mobility, and thermodynamic stability) performed at Invitae indicates that this missense variant is not expected to disrupt LMNB2 protein function with a negative predictive value of 80%. In summary, the available evidence is currently insufficient to determine the role of this variant in disease. Therefore, it has been classified as a Variant of Uncertain Significance.

NM_032737.4(LMNB2):c.932G>A (p.Arg311His)

Gene: LMNB2 (lamin B2; minus strand). Cytogenetic location: 19p13.3.
Variant type: single nucleotide variant.
Coding change: c.932G>A on transcript NM_032737.4 (MANE Select); coding-DNA position 932, G replaced by A.
Protein change: p.Arg311His; replaces arginine 311 with histidine.
Molecular consequence: missense variant.
Genome position (GRCh38, 1-based): chr19:2,434,837, C>T on the plus strand (G>A on the coding strand, the complement: LMNB2 is on the minus strand). VCF-style: chr19-2434837-C-T. GRCh37 (hg19) VCF-style: chr19-2434835-C-T.
Other names: short protein forms R311H.
Identifiers: ClinVar variation 1044334 (VCV001044334.7), dbSNP rs1372849024, ClinGen allele CA403254861.